The following is an entry in ClinVar:

NM_001009994.3(RIPPLY2):c.282A>G (p.Gln94=)

Genes: RIPPLY2 (ripply transcriptional repressor 2; plus strand), RIPPLY2-CYB5R4 (RIPPLY2-CYB5R4 readthrough; plus strand). Cytogenetic location: 6q14.2.
Variant type: single nucleotide variant.
Coding change: c.282A>G on transcript NM_001009994.3 (MANE Select); coding-DNA position 282, A replaced by G.
Protein change: p.Gln94=; no amino-acid change (glutamine 94 retained).
Molecular consequence: synonymous variant. On other transcripts: 3 prime UTR variant (1), non-coding transcript variant (2), intron variant (1).
Genome position (GRCh38, 1-based): chr6:83,857,284, A>G. VCF-style: chr6-83857284-A-G. GRCh37 (hg19) VCF-style: chr6-84567003-A-G.
Other names: c.345A>G, p.Gln115= (NM_001400899.1); c.*3119A>G (NM_001400900.1); c.-28+3123A>G (NM_001400774.1).
Identifiers: ClinVar variation 3711347 (VCV003711347.2).
Genomic context (GRCh38, chr6:83,857,284, plus strand): 5'-GTTGTCTGCTTCTTTCAGACTATTTTGGCCAAAATCAAAATGTTATGATTACTTATATCA[A>G]GAAGCAGAAGCTCTTCTGAAAAATTTTCCAATTCAAGCCACAATTTCATTTTATGAAGAT-3'
Protein context (NP_001009994.1, residues 84-104): PKSKCYDYLY[Gln94=]EAEALLKNFP

ClinVar aggregate classification (germline): Uncertain significance (1 of 4 stars; one submission).

gnomAD v4.1: 24 of 1,551,178 alleles (0.0015%); highest among the groups gnomAD compares: Admixed American, 0.0021%; no homozygotes.

Submission:

Labcorp Genetics (formerly Invitae), Labcorp
Classification: Uncertain significance. Last evaluated: 2024-11-02. Review status: criteria provided, single submitter. Criteria: Invitae Variant Classification Sherloc (09022015). Collection method: clinical testing. Allele origin: germline.
Comment: This sequence change affects codon 94 of the RIPPLY2 mRNA. It is a 'silent' change, meaning that it does not change the encoded amino acid sequence of the RIPPLY2 protein. This variant is present in population databases (rs148532609, gnomAD 0.003%). This variant has not been reported in the literature in individuals affected with RIPPLY2-related conditions. Algorithms developed to predict the effect of sequence changes on RNA splicing suggest that this variant may disrupt the consensus splice site. In summary, the available evidence is currently insufficient to determine the role of this variant in disease. Therefore, it has been classified as a Variant of Uncertain Significance.